The following is an entry in ClinVar:

NM_173630.4(RTTN):c.3045G>A (p.Lys1015=)

Gene: RTTN (rotatin; minus strand). Cytogenetic location: 18q22.2.
Variant type: single nucleotide variant.
Coding change: c.3045G>A on transcript NM_173630.4 (MANE Select); coding-DNA position 3045, G replaced by A.
Protein change: p.Lys1015=; no amino-acid change (lysine 1015 retained).
Molecular consequence: synonymous variant.
Genome position (GRCh38, 1-based): chr18:70,128,456, C>T on the plus strand (G>A on the coding strand, the complement: RTTN is on the minus strand). VCF-style: chr18-70128456-C-T. GRCh37 (hg19) VCF-style: chr18-67795692-C-T.
Other names: c.309G>A, p.Lys103= (NM_001318520.2).
Identifiers: ClinVar variation 1694876 (VCV001694876.31), dbSNP rs1443333617, ClinGen allele CA504327595.

ClinVar aggregate classification (germline): Likely benign (1 of 4 stars; one submission).

Allele frequency attached by ClinVar (database versions not stated): gnomAD exomes below 0.00001 and 0.00002; TOPMed below 0.00001; gnomAD 0.00001.
gnomAD v4.1: 12 of 1,613,172 alleles (0.00074%); highest among the groups gnomAD compares: Non-Finnish European, 0.001%; no homozygotes.

Submission:

CeGaT Center for Human Genetics Tuebingen
Classification: Likely benign. Last evaluated: 2022-05-01. Review status: criteria provided, single submitter. Criteria: CeGaT Center For Human Genetics Tuebingen Variant Classification Criteria Version 2. Collection method: clinical testing. Allele origin: germline. Affected: yes. Observed: 1 variant allele.
Comment: RTTN: BP4, BP7